The following is an entry in ClinVar:

ClinVar aggregate classification (germline): Uncertain significance (1 of 4 stars; one submission).

Conditions:
RIMS3-related disorder. Also called: RIMS3-related condition.

gnomAD v4.1: 8 of 1,605,108 alleles (0.0005%); highest among the groups gnomAD compares: Non-Finnish European, 0.00068%; no homozygotes.

Submission:

PreventionGenetics, part of Exact Sciences
Classification: Uncertain significance for RIMS3-related condition. Last evaluated: 2023-02-13. Review status: criteria provided, single submitter. Criteria: ACMG Guidelines, 2015. Collection method: clinical testing. Allele origin: germline.
Comment: The RIMS3 c.239G>A variant is predicted to result in the amino acid substitution p.Arg80His. To our knowledge, this variant has not been reported in the literature. This variant is reported in 0.00088% of alleles in individuals of European (Non-Finnish) descent in gnomAD. At this time, the clinical significance of this variant is uncertain due to the absence of conclusive functional and genetic evidence.

NM_014747.3(RIMS3):c.239G>A (p.Arg80His)

Gene: RIMS3 (regulating synaptic membrane exocytosis 3; minus strand). Cytogenetic location: 1p34.2.
Variant type: single nucleotide variant.
Coding change: c.239G>A on transcript NM_014747.3 (MANE Select); coding-DNA position 239, G replaced by A.
Protein change: p.Arg80His; replaces arginine 80 with histidine.
Molecular consequence: missense variant.
Genome position (GRCh38, 1-based): chr1:40,636,036, C>T on the plus strand (G>A on the coding strand, the complement: RIMS3 is on the minus strand). VCF-style: chr1-40636036-C-T. GRCh37 (hg19) VCF-style: chr1-41101708-C-T.
Other names: short protein forms R80H.
Identifiers: ClinVar variation 2630650 (VCV002630650.1), dbSNP rs1486758049, ClinGen allele CA339873458.